The following is an entry in ClinVar:

NM_000257.4(MYH7):c.2251A>G (p.Ile751Val)

Gene: MYH7 (myosin heavy chain 7; minus strand). Cytogenetic location: 14q11.2.
Variant type: single nucleotide variant.
Coding change: c.2251A>G on transcript NM_000257.4 (MANE Select); coding-DNA position 2251, A replaced by G.
Protein change: p.Ile751Val; replaces isoleucine 751 with valine.
Molecular consequence: missense variant.
Genome position (GRCh38, 1-based): chr14:23,425,730, T>C on the plus strand (A>G on the coding strand, the complement: MYH7 is on the minus strand). VCF-style: chr14-23425730-T-C. GRCh37 (hg19) VCF-style: chr14-23894939-T-C.
Other names: short protein forms I751V.
Identifiers: ClinVar variation 834507 (VCV000834507.13), dbSNP rs1892668023, ClinGen allele CA389048823.

ClinVar aggregate classification (germline): Uncertain significance. Review status: criteria provided, multiple submitters, no conflicts (2 of 4 stars). 2 submissions from 2 submitters: Uncertain significance (2). Last evaluated 2024-03-06.

Conditions:
Cardiomyopathy (CMYO). Also called: Cardiomyopathies. Identifiers: Orphanet 167848, MedGen C0878544, MONDO:0004994, HP:0001638. Inheritance: Various modes of inheritance.
Hypertrophic cardiomyopathy. Also called: HYPERTROPHIC MYOCARDIOPATHY. Identifiers: Orphanet 217569, MedGen C0007194, MeSH D002312, MONDO:0005045, HP:0001639.

Submissions (2):

Color Diagnostics, LLC DBA Color Health
Classification: Uncertain significance for Cardiomyopathy. Last evaluated: 2024-03-06. Review status: criteria provided, single submitter. Criteria: ACMG Guidelines, 2015. Collection method: clinical testing. Allele origin: germline.
Comment: This missense variant replaces isoleucine with valine at codon 751 of the MYH7 protein. Computational prediction suggests that this variant may not impact protein structure and function (internally defined REVEL score threshold <= 0.5, PMID: 27666373). Splice site prediction tools suggest that this variant may not impact RNA splicing. To our knowledge, functional studies have not been reported for this variant. This variant has not been reported in individuals affected with cardiovascular disorders in the literature. This variant has not been identified in the general population by the Genome Aggregation Database (gnomAD). The available evidence is insufficient to determine the role of this variant in disease conclusively. Therefore, this variant is classified as a Variant of Uncertain Significance.

Labcorp Genetics (formerly Invitae), Labcorp
Classification: Uncertain significance for Hypertrophic cardiomyopathy. Last evaluated: 2022-07-05. Review status: criteria provided, single submitter. Criteria: Invitae Variant Classification Sherloc (09022015). Collection method: clinical testing. Allele origin: germline.
Comment: In summary, the available evidence is currently insufficient to determine the role of this variant in disease. Therefore, it has been classified as a Variant of Uncertain Significance. Algorithms developed to predict the effect of missense changes on protein structure and function are either unavailable or do not agree on the potential impact of this missense change (SIFT: "Deleterious"; PolyPhen-2: "Benign"; Align-GVGD: "Class C25"). ClinVar contains an entry for this variant (Variation ID: 834507). This variant has not been reported in the literature in individuals affected with MYH7-related conditions. This variant is not present in population databases (gnomAD no frequency). This sequence change replaces isoleucine, which is neutral and non-polar, with valine, which is neutral and non-polar, at codon 751 of the MYH7 protein (p.Ile751Val).